The following is an entry in ClinVar:

NM_207122.2(EXT2):c.905del (p.Lys302fs)

Gene: EXT2 (exostosin glycosyltransferase 2; plus strand). Cytogenetic location: 11p11.2.
Variant type: Deletion.
Coding change: c.905del on transcript NM_207122.2 (MANE Select); coding-DNA position 905, one base deleted (A; older notation c.905delA).
Protein change: p.Lys302fs; shifts the reading frame from lysine 302.
Molecular consequence: frameshift variant.
Genome position (GRCh38, 1-based): chr11:44,124,950, A deleted; the last of 2 consecutive A bases (chr11:44,124,949-44,124,950); deleting either gives the same sequence. VCF-style (leftmost placement, unchanged base first): chr11-44124948-CA-C. GRCh37 (hg19) VCF-style: chr11-44146498-CA-C.
Other names: c.1004del, p.Lys335fs (NM_000401.3); c.905del, p.Lys302fs (NM_001178083.3, NM_001389628.1, NM_001389630.1); short protein forms K302fs, K335fs.
Identifiers: ClinVar variation 3347568 (VCV003347568.1).

ClinVar aggregate classification (germline): Pathogenic (0 of 4 stars; one submission).

Conditions:
EXT2-related disorder. Also called: EXT2-related condition.

Submission:

PreventionGenetics, part of Exact Sciences
Classification: Pathogenic for EXT2-related condition. Last evaluated: 2024-08-19. Review status: no assertion criteria provided. Collection method: clinical testing. Allele origin: germline.
Comment: The EXT2 c.905delA variant is predicted to result in a frameshift and premature protein termination (p.Lys302Serfs*30). This variant has been reported in individuals with multiple osteochondromas in a database, namely the online Multiple Osteochondromas Mutation Database (MOdb) (Table S2. Jennes et al 2009. PubMed ID: 19810120). This variant has not been reported in a large population database, indicating this variant is rare. Frameshift variants in EXT2 are expected to be pathogenic. This variant is interpreted as pathogenic.